The following is an entry in ClinVar:

ClinVar aggregate classification (germline): Uncertain significance (1 of 4 stars; one submission).

Conditions:
Brugada syndrome 8 (BRGDA8). Identifiers: Orphanet 130, MedGen C2751083, MONDO:0013148, OMIM 613123.

Submission:

Labcorp Genetics (formerly Invitae), Labcorp
Classification: Uncertain significance for Brugada syndrome 8. Last evaluated: 2025-02-12. Review status: criteria provided, single submitter. Criteria: Invitae Variant Classification Sherloc (09022015). Collection method: clinical testing. Allele origin: germline.
Comment: This sequence change replaces leucine, which is neutral and non-polar, with methionine, which is neutral and non-polar, at codon 837 of the HCN4 protein (p.Leu837Met). The frequency data for this variant in the population databases is considered unreliable, as metrics indicate poor data quality at this position in the gnomAD database. This variant has not been reported in the literature in individuals affected with HCN4-related conditions. Invitae Evidence Modeling of protein sequence and biophysical properties (such as structural, functional, and spatial information, amino acid conservation, physicochemical variation, residue mobility, and thermodynamic stability) indicates that this missense variant is not expected to disrupt HCN4 protein function with a negative predictive value of 95%. In summary, the available evidence is currently insufficient to determine the role of this variant in disease. Therefore, it has been classified as a Variant of Uncertain Significance.

NM_005477.3(HCN4):c.2509C>A (p.Leu837Met)

Gene: HCN4 (hyperpolarization activated cyclic nucleotide gated potassium channel 4; minus strand). Cytogenetic location: 15q24.1.
Variant type: single nucleotide variant.
Coding change: c.2509C>A on transcript NM_005477.3 (MANE Select); coding-DNA position 2509, C replaced by A.
Protein change: p.Leu837Met; replaces leucine 837 with methionine.
Molecular consequence: missense variant.
Genome position (GRCh38, 1-based): chr15:73,323,584, G>T on the plus strand (C>A on the coding strand, the complement: HCN4 is on the minus strand). VCF-style: chr15-73323584-G-T. GRCh37 (hg19) VCF-style: chr15-73615925-G-T.
Other names: short protein forms L837M.
Identifiers: ClinVar variation 4694965 (VCV004694965.1).